The following is an entry in ClinVar:

ClinVar aggregate classification (germline): Likely pathogenic (1 of 4 stars; one submission).

Conditions:
Primary ciliary dyskinesia 3. Identifiers: Orphanet 244, MedGen C1837618, MONDO:0012085, OMIM 608644.

Submission:

Myriad Genetics, Inc.
Classification: Likely pathogenic for Primary ciliary dyskinesia 3. Last evaluated: 2022-03-09. Review status: criteria provided, single submitter. Criteria: Myriad Women's Health Autosomal Recessive and X-Linked Classification Criteria (2021). Collection method: clinical testing. Allele origin: unknown.
Comment: NM_001369.2(DNAH5):c.5590delC(L1864Wfs*7) is expected to be pathogenic in the context of DNAH5-related primary ciliary dyskinesia. This variant is predicted to lead to an abnormal or absent protein product due to the creation of a premature termination codon in DNAH5, a gene where loss-of-function variants are known to be pathogenic. Please note: this variant was assessed in the context of healthy population screening.

NM_001369.3(DNAH5):c.5590del (p.Leu1864fs)

Gene: DNAH5 (dynein axonemal heavy chain 5; minus strand). Cytogenetic location: 5p15.2.
Variant type: Deletion.
Coding change: c.5590del on transcript NM_001369.3 (MANE Select); coding-DNA position 5590, one base deleted (C; older notation c.5590delC).
Protein change: p.Leu1864fs; shifts the reading frame from leucine 1864.
Molecular consequence: frameshift variant.
Genome position (GRCh38, 1-based): chr5:13,841,025, G deleted on the plus strand (C on the coding strand, the reverse complement: DNAH5 is on the minus strand); the first of 2 consecutive G bases (chr5:13,841,025-13,841,026); deleting either gives the same sequence. VCF-style (leftmost placement, unchanged base first): chr5-13841024-AG-A. GRCh37 (hg19) VCF-style: chr5-13841133-AG-A.
Other names: short protein forms L1864fs.
Identifiers: ClinVar variation 1725134 (VCV001725134.2), dbSNP rs2546908342, ClinGen allele CA2580072072.